The following is an entry in ClinVar:

NM_000057.4(BLM):c.3952G>A (p.Glu1318Lys)

Gene: BLM (BLM RecQ like helicase; plus strand). Cytogenetic location: 15q26.1.
Variant type: single nucleotide variant.
Coding change: c.3952G>A on transcript NM_000057.4 (MANE Select); coding-DNA position 3952, G replaced by A.
Protein change: p.Glu1318Lys; replaces glutamic acid 1318 with lysine.
Molecular consequence: missense variant.
Genome position (GRCh38, 1-based): chr15:90,811,282, G>A. VCF-style: chr15-90811282-G-A. GRCh37 (hg19) VCF-style: chr15-91354512-G-A.
Other names: c.3952G>A, p.Glu1318Lys (NM_001287246.2); c.3559G>A, p.Glu1187Lys (NM_001287247.2); c.2827G>A, p.Glu943Lys (NM_001287248.2); short protein forms E1318K, E1187K, E943K.
Identifiers: ClinVar variation 1927223 (VCV001927223.5), dbSNP rs2505566920, ClinGen allele CA393850845.
Genomic context (GRCh38, chr15:90,811,282, plus strand): 5'-GGGATAAGCCTGTCCAGCAGCAGAGGCCCCGGAAGAAGTGCCGCTGAGGAGCTCGACGAG[G>A]AAATACCCGTATCTTCCCACTACTTTGCAAGTAAAACCAGAAATGAAAGGAAGAGGAAAA-3'
Protein context (NP_000048.1, residues 1308-1328): GRSAAEELDE[Glu1318Lys]IPVSSHYFAS

ClinVar aggregate classification (germline): Uncertain significance (1 of 4 stars; one submission).

Conditions:
Bloom syndrome (BLM). Also called: Bloom-Torre-Machacek syndrome. Identifiers: Orphanet 125, MedGen C0005859, MONDO:0008876, OMIM 210900.

Submission:

Labcorp Genetics (formerly Invitae), Labcorp
Classification: Uncertain significance for Bloom syndrome. Last evaluated: 2022-05-24. Review status: criteria provided, single submitter. Criteria: Invitae Variant Classification Sherloc (09022015). Collection method: clinical testing. Allele origin: germline.
Comment: In summary, the available evidence is currently insufficient to determine the role of this variant in disease. Therefore, it has been classified as a Variant of Uncertain Significance. Algorithms developed to predict the effect of missense changes on protein structure and function (SIFT, PolyPhen-2, Align-GVGD) all suggest that this variant is likely to be tolerated. This variant has not been reported in the literature in individuals affected with BLM-related conditions. This variant is not present in population databases (gnomAD no frequency). This sequence change replaces glutamic acid, which is acidic and polar, with lysine, which is basic and polar, at codon 1318 of the BLM protein (p.Glu1318Lys).